The following is an entry in ClinVar:

NM_138387.4(G6PC3):c.217T>C (p.Trp73Arg)

Genes: G6PC3 (glucose-6-phosphatase catalytic subunit 3; plus strand), LOC130060959 (ATAC-STARR-seq lymphoblastoid active region 12250; plus strand). Cytogenetic location: 17q21.31.
Variant type: single nucleotide variant.
Coding change: c.217T>C on transcript NM_138387.4 (MANE Select); coding-DNA position 217, T replaced by C.
Protein change: p.Trp73Arg; replaces tryptophan 73 with arginine.
Molecular consequence: missense variant. On other transcripts: 5 prime UTR variant (3), intron variant (1).
Genome position (GRCh38, 1-based): chr17:44,071,182, T>C. VCF-style: chr17-44071182-T-C. GRCh37 (hg19) VCF-style: chr17-42148550-T-C.
Other names: c.217T>C, p.Trp73Arg (NM_001319945.2); c.-188T>C (NM_001384165.1); c.-323T>C (NM_001384166.1); c.-313T>C (NM_001384167.1); c.-311-446T>C (NM_001384168.1); short protein forms W73R.
Identifiers: ClinVar variation 3518051 (VCV003518051.1).

ClinVar aggregate classification (germline): Uncertain significance (1 of 4 stars; one submission).

Conditions:
Inborn genetic diseases. Identifiers: MedGen C0950123, MeSH D030342.

gnomAD v4.1: 1 of 1,612,914 alleles (0.000062%); highest among the groups gnomAD compares: Non-Finnish European, 0.000085%; no homozygotes.

Submission:

Ambry Genetics
Classification: Uncertain significance for Inborn genetic diseases. Last evaluated: 2024-11-22. Review status: criteria provided, single submitter. Criteria: Ambry Variant Classification Scheme 2023. Collection method: clinical testing. Allele origin: germline.
Comment: The p.W73R variant (also known as c.217T>C), located in coding exon 1 of the G6PC3 gene, results from a T to C substitution at nucleotide position 217. The tryptophan at codon 73 is replaced by arginine, an amino acid with dissimilar properties. This amino acid position is conserved. In addition, this alteration is predicted to be deleterious by in silico analysis. Based on the available evidence, the clinical significance of this variant remains unclear.